The following is an entry in ClinVar:

ClinVar aggregate classification (germline): Pathogenic (1 of 4 stars; one submission).

Conditions:
Polycystic kidney disease, adult type (PKD1). Also called: Polycystic Kidney Disease 1, Autosomal Dominant; Polycystic kidney disease 1; Polycystic kidney disease 1, severe; Polycystic Kidney, Autosomal Dominant; POLYCYSTIC KIDNEY DISEASE, ADULT, TYPE I; POLYCYSTIC KIDNEY DISEASE 1 WITH OR WITHOUT POLYCYSTIC LIVER DISEASE. Identifiers: MedGen C3149841, MONDO:0008263, OMIM 173900.

Submission:

Women's Health and Genetics/Laboratory Corporation of America, LabCorp
Classification: Pathogenic for Polycystic kidney disease, adult type. Last evaluated: 2026-03-18. Review status: criteria provided, single submitter. Criteria: LabCorp Variant Classification Summary - May 2015. Collection method: clinical testing. Allele origin: germline.
Comment: Variant summary: PKD1 c.3357delT (p.Val1120X) results in a premature termination codon, predicted to cause a truncation of the encoded protein or absence of the protein due to nonsense mediated decay, which are commonly known mechanisms for disease. The variant was absent in 244472 control chromosomes. To our knowledge, no occurrence of c.3357delT in individuals affected with PKD1-related conditions and no experimental evidence demonstrating its impact on protein function have been reported. No submitters have cited clinical-significance assessments for this variant to ClinVar. Based on the evidence outlined above, the variant was classified as pathogenic.

NM_001009944.3(PKD1):c.3357del (p.Pro1119_Val1120insTer)

Gene: PKD1 (polycystin 1, transient receptor potential channel interacting; minus strand). Cytogenetic location: 16p13.3.
Variant type: Deletion.
Coding change: c.3357del on transcript NM_001009944.3 (MANE Select); coding-DNA position 3357, one base deleted (T; older notation c.3357delT).
Protein change: p.Pro1119_Val1120insTer.
Molecular consequence: frameshift variant.
Genome position (GRCh38, 1-based): chr16:2,111,810, A deleted on the plus strand (T on the coding strand, the reverse complement: PKD1 is on the minus strand). VCF-style (leftmost placement, unchanged base first): chr16-2111809-CA-C. GRCh37 (hg19) VCF-style: chr16-2161810-CA-C.
Other names: c.3357delT (NM_001009944.3); c.3357del, p.Pro1119_Val1120insTer (NM_000296.4).
Identifiers: ClinVar variation 4847102 (VCV004847102.1).